The following is an entry in ClinVar:

NM_001081.4(CUBN):c.5215G>A (p.Gly1739Ser)

Gene: CUBN (cubilin; minus strand). Cytogenetic location: 10p13.
Variant type: single nucleotide variant.
Coding change: c.5215G>A on transcript NM_001081.4 (MANE Select); coding-DNA position 5215, G replaced by A.
Protein change: p.Gly1739Ser; replaces glycine 1739 with serine.
Molecular consequence: missense variant.
Genome position (GRCh38, 1-based): chr10:16,947,362, C>T on the plus strand (G>A on the coding strand, the complement: CUBN is on the minus strand). VCF-style: chr10-16947362-C-T. GRCh37 (hg19) VCF-style: chr10-16989361-C-T.
Other names: short protein forms G1739S.
Identifiers: ClinVar variation 862845 (VCV000862845.10), dbSNP rs2131619882, ClinGen allele CA376160169.

ClinVar aggregate classification (germline): Uncertain significance (1 of 4 stars; one submission).

Conditions:
Imerslund-Grasbeck syndrome. Also called: Imerslund-Gräsbeck syndrome; PERNICIOUS ANEMIA, JUVENILE, DUE TO SELECTIVE INTESTINAL MALABSORPTION OF VITAMIN B12, WITH PROTEINURIA; ENTEROCYTE COBALAMIN MALABSORPTION; ENTEROCYTE INTRINSIC FACTOR RECEPTOR, DEFECT OF; Megaloblastic anemia due to inborn errors of metabolism. Identifiers: Orphanet 35858, MedGen C4551825, MONDO:0009853.

Allele frequency attached by ClinVar (database versions not stated): gnomAD exomes below 0.00001.
gnomAD v4.1: 1 of 1,613,928 alleles (0.000062%); highest among the groups gnomAD compares: Non-Finnish European, 0.000085%; no homozygotes.

Submission:

Labcorp Genetics (formerly Invitae), Labcorp
Classification: Uncertain significance for Imerslund-Grasbeck syndrome. Last evaluated: 2019-12-20. Review status: criteria provided, single submitter. Criteria: Invitae Variant Classification Sherloc (09022015). Collection method: clinical testing. Allele origin: germline.
Comment: In summary, the available evidence is currently insufficient to determine the role of this variant in disease. Therefore, it has been classified as a Variant of Uncertain Significance. Algorithms developed to predict the effect of missense changes on protein structure and function (SIFT, PolyPhen-2, Align-GVGD) all suggest that this variant is likely to be disruptive, but these predictions have not been confirmed by published functional studies and their clinical significance is uncertain. This variant has not been reported in the literature in individuals with CUBN-related conditions. This variant is not present in population databases (ExAC no frequency). This sequence change replaces glycine with serine at codon 1739 of the CUBN protein (p.Gly1739Ser). The glycine residue is highly conserved and there is a small physicochemical difference between glycine and serine.